The following is an entry in ClinVar:

NM_003403.5(YY1):c.527G>A (p.Gly176Asp)

Genes: YY1 (YY1 transcription factor; plus strand), LOC130056453 (ATAC-STARR-seq lymphoblastoid silent region 6082; plus strand). Cytogenetic location: 14q32.2.
Variant type: single nucleotide variant.
Coding change: c.527G>A on transcript NM_003403.5 (MANE Select); coding-DNA position 527, G replaced by A.
Protein change: p.Gly176Asp; replaces glycine 176 with aspartic acid.
Molecular consequence: missense variant.
Genome position (GRCh38, 1-based): chr14:100,239,771, G>A. VCF-style: chr14-100239771-G-A. GRCh37 (hg19) VCF-style: chr14-100706108-G-A.
Other names: short protein forms G176D.
Identifiers: ClinVar variation 1029703 (VCV001029703.1), dbSNP rs1890697895, ClinGen allele CA390972396.

ClinVar aggregate classification (germline): Likely pathogenic (1 of 4 stars; one submission).

Conditions:
Gabriele de Vries syndrome. Identifiers: Orphanet 506358, MedGen C4479652, MONDO:0044738, OMIM 617557.

Submission:

Baylor Genetics
Classification: Likely pathogenic for Gabriele de Vries syndrome. Last evaluated: 2019-12-11. Review status: criteria provided, single submitter. Criteria: ACMG Guidelines, 2015. Collection method: clinical testing. Allele origin: unknown. Affected: yes.
Comment: This variant was determined to be likely pathogenic according to ACMG Guidelines, 2015 [PMID:25741868].